The following is an entry in ClinVar:

NM_001370658.1(BTD):c.1552C>A (p.Arg518Ser)

Gene: BTD (biotinidase; plus strand). Cytogenetic location: 3p25.1.
Variant type: single nucleotide variant.
Coding change: c.1552C>A on transcript NM_001370658.1 (MANE Select); coding-DNA position 1552, C replaced by A.
Protein change: p.Arg518Ser; replaces arginine 518 with serine.
Molecular consequence: missense variant. On other transcripts: intron variant (2).
Genome position (GRCh38, 1-based): chr3:15,645,468, C>A. VCF-style: chr3-15645468-C-A. GRCh37 (hg19) VCF-style: chr3-15686975-C-A.
Other names: c.1612C>A, p.Arg538Ser (NM_000060.4); c.1552C>A, p.Arg518Ser (NM_001281723.4, NM_001281724.3, NM_001281725.3 and 16 more transcripts); c.1015+537C>A (NM_001370752.1); c.399+3411C>A (NM_001370753.1); short protein forms R518S.
Identifiers: ClinVar variation 203642 (VCV000203642.40), dbSNP rs80338686, ClinGen allele CA312375.

ClinVar aggregate classification (germline): Pathogenic/Likely pathogenic. Review status: criteria provided, multiple submitters, no conflicts (2 of 4 stars). 8 submissions from 8 submitters: Pathogenic (5); Likely pathogenic (2). 1 of the submissions does not count toward it. Last evaluated 2026-01-21.

Conditions:
BTD-related disorder. Also called: BTD-related condition.
Inborn genetic diseases. Identifiers: MedGen C0950123, MeSH D030342.
Biotinidase deficiency. Also called: Biotin deficiency; BTD deficiency; Late-onset biotin-responsive multiple carboxylase deficiency. Identifiers: Orphanet 79241, MedGen C0220754, MONDO:0009665, OMIM 253260.

gnomAD v4.1: 16 of 1,608,830 alleles (0.00099%); highest among the groups gnomAD compares: South Asian, 0.016%; no homozygotes.

Submissions (8):

Labcorp Genetics (formerly Invitae), Labcorp
Classification: Pathogenic for Biotinidase deficiency. Last evaluated: 2026-01-21. Review status: criteria provided, single submitter. Criteria: Invitae Variant Classification Sherloc (09022015). Collection method: clinical testing. Allele origin: germline.
Comment: This sequence change replaces arginine, which is basic and polar, with serine, which is neutral and polar, at codon 538 of the BTD protein (p.Arg538Ser). This variant is present in population databases (rs80338686, gnomAD 0.03%). This missense change has been observed in individual(s) with biotinidase deficiency (PMID: 22698809; internal data). ClinVar contains an entry for this variant (Variation ID: 203642). Invitae Evidence Modeling of protein sequence and biophysical properties (such as structural, functional, and spatial information, amino acid conservation, physicochemical variation, residue mobility, and thermodynamic stability) indicates that this missense variant is expected to disrupt BTD protein function with a positive predictive value of 95%. This variant disrupts the p.Arg538 amino acid residue in BTD. Other variant(s) that disrupt this residue have been determined to be pathogenic (PMID: 9099842, 26810761, 27207447). This suggests that this residue is clinically significant, and that variants that disrupt this residue are likely to be disease-causing. For these reasons, this variant has been classified as Pathogenic.

3billion
Classification: Pathogenic for Biotinidase deficiency. Last evaluated: 2025-02-27. Review status: criteria provided, single submitter. Criteria: ACMG Guidelines, 2015. Collection method: clinical testing. Allele origin: germline. Affected: yes.
Comment: The variant is observed in the gnomAD v4.1.0 dataset (total allele frequency: 3.810%). Predicted Consequence/Location: Missense variant Functional studies provide strong evidence of the variant having a damaging effect on the gene or gene product (PMID: 10206677, 9654207). In silico tool predictions suggest damaging effect of the variant on gene or gene product [REVEL: 0.77 (>=0.6, sensitivity 0.68 and specificity 0.92); 3Cnet: 0.88 (> 0.75, sensitivity 0.96 and precision 0.92)]. The same nucleotide change resulting in the same amino acid change has been previously reported as pathogenic/likely pathogenic with strong evidence (ClinVar ID: VCV000001900 /PMID: 10206677 /3billion dataset). The variant has been reported to be in trans with a pathogenic variant as either compound heterozygous or homozygous in at least 4 similarly affected unrelated individuals (PMID: 9654207). Different missense changes at the same codon (p.Asp424Gly, p.Asp424Tyr) have been reported as pathogenic/likely pathogenic with strong evidence (ClinVar ID: VCV001358756, VCV003588707 /PMID: 33312878). Therefore, this variant is classified as Pathogenic according to the recommendation of ACMG/AMP guideline.

Fulgent Genetics
Classification: Likely pathogenic for Biotinidase deficiency. Last evaluated: 2024-05-31. Review status: criteria provided, single submitter. Criteria: ACMG Guidelines, 2015. Collection method: clinical testing. Allele origin: germline.

Baylor Genetics
Classification: Pathogenic for Biotinidase deficiency. Last evaluated: 2024-03-17. Review status: criteria provided, single submitter. Criteria: ACMG Guidelines, 2015. Collection method: clinical testing. Allele origin: unknown.

Blueprint Genetics
Classification: Likely pathogenic for BTD-related disorders. Last evaluated: 2022-11-11. Review status: criteria provided, single submitter. Criteria: ACMG Guidelines, 2015. Collection method: clinical testing. Allele origin: germline. Affected: yes. Observed: 3 variant alleles.

Ambry Genetics
Classification: Pathogenic for Inborn genetic diseases. Last evaluated: 2017-06-16. Review status: criteria provided, single submitter. Criteria: Ambry exome assertion method (8-5-2015). Collection method: clinical testing. Allele origin: germline. Affected: yes. Observed: 1 variant allele.

Arcensus
Classification: Pathogenic for Biotinidase deficiency. Last evaluated: 2013-02-01. Review status: criteria provided, single submitter. Criteria: ACMG Guidelines, 2015. Collection method: clinical testing. Allele origin: germline. Affected: yes.

Counsyl
Classification: Likely pathogenic for Biotinidase deficiency. Last evaluated: 2016-07-08. Review status: no assertion criteria provided. Collection method: clinical testing. Allele origin: unknown. Not counted in ClinVar's aggregate classification.

Literature cited by the submitters: PubMed 22698809 (cited by 3 submitters); PubMed 9099842 (cited by Labcorp Genetics (formerly Invitae), Labcorp); PubMed 26810761 (cited by 3 submitters); PubMed 27207447 (cited by Labcorp Genetics (formerly Invitae), Labcorp); PubMed 19757147 (cited by 3billion).